The following is an entry in ClinVar:

NM_005216.5(DDOST):c.797A>G (p.Tyr266Cys)

Gene: DDOST (dolichyl-diphosphooligosaccharide--protein glycosyltransferase non-catalytic subunit; minus strand). Cytogenetic location: 1p36.12.
Variant type: single nucleotide variant.
Coding change: c.797A>G on transcript NM_005216.5 (MANE Select); coding-DNA position 797, A replaced by G.
Protein change: p.Tyr266Cys; replaces tyrosine 266 with cysteine.
Molecular consequence: missense variant.
Genome position (GRCh38, 1-based): chr1:20,653,772, T>C on the plus strand (A>G on the coding strand, the complement: DDOST is on the minus strand). VCF-style: chr1-20653772-T-C. GRCh37 (hg19) VCF-style: chr1-20980265-T-C.
Other names: short protein forms Y266C.
Identifiers: ClinVar variation 4737575 (VCV004737575.1).

ClinVar aggregate classification (germline): Uncertain significance (1 of 4 stars; one submission).

Conditions:
Congenital disorder of glycosylation type Ir (CDG1R). Also called: DDOST-congenital disorder of glycosylation. Identifiers: Orphanet 300536, MedGen C3281084, MONDO:0013789, OMIM 614507.

Submission:

Labcorp Genetics (formerly Invitae), Labcorp
Classification: Uncertain significance for Congenital disorder of glycosylation type Ir. Last evaluated: 2025-08-12. Review status: criteria provided, single submitter. Criteria: Invitae Variant Classification Sherloc (09022015). Collection method: clinical testing. Allele origin: germline.
Comment: This sequence change replaces tyrosine, which is neutral and polar, with cysteine, which is neutral and slightly polar, at codon 283 of the DDOST protein (p.Tyr283Cys). This variant is present in population databases (rs769111163, gnomAD 0.002%). This variant has not been reported in the literature in individuals affected with DDOST-related conditions. An algorithm developed to predict the effect of missense changes on protein structure and function (PolyPhen-2) suggests that this variant is likely to be tolerated. In summary, the available evidence is currently insufficient to determine the role of this variant in disease. Therefore, it has been classified as a Variant of Uncertain Significance.